The following is an entry in ClinVar:

NM_001330260.2(SCN8A):c.4477A>G (p.Lys1493Glu)

Gene: SCN8A (sodium voltage-gated channel alpha subunit 8; plus strand). Cytogenetic location: 12q13.13.
Variant type: single nucleotide variant.
Coding change: c.4477A>G on transcript NM_001330260.2 (MANE Select); coding-DNA position 4477, A replaced by G.
Protein change: p.Lys1493Glu; replaces lysine 1493 with glutamic acid.
Molecular consequence: missense variant.
Genome position (GRCh38, 1-based): chr12:51,790,455, A>G. VCF-style: chr12-51790455-A-G. GRCh37 (hg19) VCF-style: chr12-52184239-A-G.
Other names: c.4354A>G, p.Lys1452Glu (NM_001177984.3, NM_001369788.1); c.4477A>G, p.Lys1493Glu (NM_014191.4); short protein forms K1493E, K1452E.
Identifiers: ClinVar variation 406257 (VCV000406257.10), dbSNP rs1060501011, ClinGen allele CA16614151.

ClinVar aggregate classification (germline): Uncertain significance (1 of 4 stars; one submission).

Conditions:
Early-infantile DEE. Also called: Early infantile epileptic encephalopathy; Early infantile epileptic encephalopathy with suppression bursts; Ohtahara syndrome. Identifiers: Orphanet 1934, MedGen C0393706, MONDO:0800491.

Submission:

Labcorp Genetics (formerly Invitae), Labcorp
Classification: Uncertain significance for Early-infantile DEE. Last evaluated: 2016-08-22. Review status: criteria provided, single submitter. Criteria: Invitae Variant Classification Sherloc (09022015). Collection method: clinical testing. Allele origin: germline.
Comment: This sequence change replaces lysine with glutamic acid at codon 1493 of the SCN8A protein (p.Lys1493Glu). The lysine residue is highly conserved and there is a small physicochemical difference between lysine and glutamic acid. In summary, this variant is a novel missense change with uncertain impact on protein function. It has been classified as a Variant of Uncertain Significance. Algorithms developed to predict the effect of missense changes on protein structure and function do not agree on the potential impact of this missense change (SIFT: "Deleterious"; PolyPhen-2: "Possibly Damaging"; Align-GVGD: "Class C0"). This variant is not present in population databases (ExAC no frequency) and has not been reported in the literature in individuals with a SCN8A-related disease.